The following is an entry in ClinVar:

NM_000179.3(MSH6):c.824G>C (p.Ser275Thr)

Gene: MSH6 (mutS homolog 6; plus strand). Cytogenetic location: 2p16.3.
Variant type: single nucleotide variant.
Coding change: c.824G>C on transcript NM_000179.3 (MANE Select); coding-DNA position 824, G replaced by C.
Protein change: p.Ser275Thr; replaces serine 275 with threonine.
Molecular consequence: missense variant. On other transcripts: 5 prime UTR variant (2).
Genome position (GRCh38, 1-based): chr2:47,798,807, G>C. VCF-style: chr2-47798807-G-C. GRCh37 (hg19) VCF-style: chr2-48025946-G-C.
Other names: c.434G>C, p.Ser145Thr (NM_001281492.2); c.-83G>C (NM_001281493.2, NM_001281494.2); short protein forms S145T, S275T.
Identifiers: ClinVar variation 1517003 (VCV001517003.12), dbSNP rs774586054, ClinGen allele CA073476.

ClinVar aggregate classification (germline): Conflicting classifications of pathogenicity. Review status: criteria provided, conflicting classifications (1 of 4 stars). 3 submissions from 3 submitters: Uncertain significance (2); Benign (1). Last evaluated 2026-01-19.

Conditions:
Hereditary nonpolyposis colorectal neoplasms. Identifiers: MedGen C0009405, MeSH D003123.
Hereditary cancer-predisposing syndrome. Also called: Tumor predisposition; Neoplastic Syndromes, Hereditary; Hereditary neoplastic syndrome; Hereditary Cancer Syndrome. Identifiers: Orphanet 140162, MedGen C0027672, MeSH D009386, MONDO:0015356.
Lynch syndrome. Identifiers: Orphanet 144, MedGen C4552100, MONDO:0005835. Disease mechanism: loss of function.

Allele frequency attached by ClinVar (database versions not stated): gnomAD exomes below 0.00001 and 0.00001; ExAC 0.00001; gnomAD 0.00001.
gnomAD v4.1: 2 of 1,614,076 alleles (0.00012%); highest among the groups gnomAD compares: East Asian, 0.0045%; no homozygotes.

Submissions (3):

Labcorp Genetics (formerly Invitae), Labcorp
Classification: Benign for Hereditary nonpolyposis colorectal neoplasms. Last evaluated: 2026-01-19. Review status: criteria provided, single submitter. Criteria: Invitae Variant Classification Sherloc (09022015). Collection method: clinical testing. Allele origin: germline.

Ambry Genetics
Classification: Uncertain significance for Hereditary cancer-predisposing syndrome. Last evaluated: 2025-11-03. Review status: criteria provided, single submitter. Criteria: Ambry Variant Classification Scheme 2023. Collection method: clinical testing. Allele origin: germline.
Comment: The p.S275T variant (also known as c.824G>C), located in coding exon 4 of the MSH6 gene, results from a G to C substitution at nucleotide position 824. The serine at codon 275 is replaced by threonine, an amino acid with similar properties. This amino acid position is well conserved in available vertebrate species. In addition, the in silico prediction for this alteration is inconclusive. Based on the available evidence, the clinical significance of this variant remains unclear.

All of Us Research Program, National Institutes of Health
Classification: Uncertain significance for Lynch syndrome. Last evaluated: 2023-12-18. Review status: criteria provided, single submitter. Criteria: ACMG Guidelines, 2015. Collection method: clinical testing. Allele origin: germline. Inheritance: Autosomal dominant inheritance. Observed: 1 variant allele, 1 heterozygote.
Comment: This missense variant replaces serine with threonine at codon 275 of the MSH6 protein. Computational prediction suggests that this variant may not impact protein structure and function (internally defined REVEL score threshold <= 0.5, PMID: 27666373). To our knowledge, functional studies have not been reported for this variant. This variant has been observed in at least one colorectal cancer individual and non-affected individuals (PMID: 29684080, 32459922). This variant has been identified in 2/251074 chromosomes in the general population by the Genome Aggregation Database (gnomAD). The available evidence is insufficient to determine the role of this variant in disease conclusively. Therefore, this variant is classified as a Variant of Uncertain Significance.

This study involves interpretation of variants in research participants for the purpose of population health screening. Participant phenotype was not available at the time of variant classification. Additional details can be found in publication PMID: 35346344, PMCID: PMC8962531

Literature cited by the submitters: PubMed 29684080 (cited by Ambry Genetics and All of Us Research Program, National Institutes of Health); PubMed 32459922 (cited by Ambry Genetics and All of Us Research Program, National Institutes of Health).